The following is an entry in ClinVar:

NM_001042492.3(NF1):c.6993_7008del (p.Ser2332fs)

Gene: NF1 (neurofibromin 1; plus strand). Cytogenetic location: 17q11.2.
Variant type: Deletion.
Coding change: c.6993_7008del on transcript NM_001042492.3 (MANE Select); coding-DNA positions 6993 to 7008, 16 bases deleted (TTCAGCAGGTACCGCA).
Protein change: p.Ser2332fs; shifts the reading frame from serine 2332.
Molecular consequence: frameshift variant.
Genome position (GRCh38, 1-based): chr17:31,340,576-31,340,591, TTCAGCAGGTACCGCA deleted; deleting any 16 consecutive bases within chr17:31,340,575-31,340,591 gives the same sequence; the c. name uses the placement nearest the transcript's 3' end. VCF-style (leftmost placement, unchanged base first): chr17-31340574-TATTCAGCAGGTACCGC-T. GRCh37 (hg19) VCF-style: chr17-29667592-TATTCAGCAGGTACCGC-T.
Other names: c.6930_6945del16 (NM_000267.3); c.6930_6945del16, p.Ser2311Phefs (NM_000267.4); short protein forms S2332fs, S2311fs.
Identifiers: ClinVar variation 481987 (VCV000481987.7), dbSNP rs1555535177, ClinGen allele CA658658595.

ClinVar aggregate classification (germline): Pathogenic. Review status: criteria provided, multiple submitters, no conflicts (2 of 4 stars). 2 submissions from 2 submitters: Pathogenic (2). Last evaluated 2025-09-16.

Conditions:
Cardiovascular phenotype. Identifiers: MedGen CN230736.
Hereditary cancer-predisposing syndrome. Also called: Hereditary neoplastic syndrome; Neoplastic Syndromes, Hereditary; Tumor predisposition; Hereditary Cancer Syndrome. Identifiers: Orphanet 140162, MedGen C0027672, MeSH D009386, MONDO:0015356.
Neurofibromatosis, type 1 (NF1). Also called: VON RECKLINGHAUSEN DISEASE; Peripheral type neurofibromatosis; NEUROFIBROMATOSIS, TYPE I, SOMATIC; Neurofibromatosis, type I. Identifiers: Orphanet 636, MedGen C0027831, MONDO:0018975, OMIM 162200. Disease mechanism: loss of function.

Submissions (2):

Labcorp Genetics (formerly Invitae), Labcorp
Classification: Pathogenic for Neurofibromatosis, type 1. Last evaluated: 2025-09-16. Review status: criteria provided, single submitter. Criteria: Invitae Variant Classification Sherloc (09022015). Collection method: clinical testing. Allele origin: germline.
Comment: This sequence change creates a premature translational stop signal (p.Ser2311Phefs*9) in the NF1 gene. It is expected to result in an absent or disrupted protein product. Loss-of-function variants in NF1 are known to be pathogenic (PMID: 10712197, 23913538). This variant is not present in population databases (gnomAD no frequency). This variant has not been reported in the literature in individuals affected with NF1-related conditions. ClinVar contains an entry for this variant (Variation ID: 481987). For these reasons, this variant has been classified as Pathogenic.

Ambry Genetics
Classification: Pathogenic for Cardiovascular phenotype; Hereditary cancer-predisposing syndrome. Last evaluated: 2020-10-02. Review status: criteria provided, single submitter. Criteria: Ambry Variant Classification Scheme 2023. Collection method: clinical testing. Allele origin: germline.
Comment: The c.6930_6945del16 pathogenic mutation, located in coding exon 46 of the NF1 gene, results from a deletion of 16 nucleotides at nucleotide positions 6930 to 6945, causing a translational frameshift with a predicted alternate stop codon (p.S2311Ffs*9). This alteration is expected to result in loss of function by premature protein truncation or nonsense-mediated mRNA decay. As such, this alteration is interpreted as a disease-causing mutation.

Literature cited by the submitters: PubMed 10712197 (cited by Labcorp Genetics (formerly Invitae), Labcorp); PubMed 23913538 (cited by Labcorp Genetics (formerly Invitae), Labcorp).